The following is an entry in ClinVar:

ClinVar aggregate classification (germline): Pathogenic (1 of 4 stars; one submission).

Conditions:
Short stature, rhizomelic, with microcephaly, micrognathia, and developmental delay (SSMG). Also called: SHORT STATURE-MICROGNATHIA SYNDROME. Identifiers: Orphanet 659702, MedGen C4310686, MONDO:0014948, OMIM 617164.

Allele frequency attached by ClinVar (database versions not stated): gnomAD exomes below 0.00001.
gnomAD v4.1: 2 of 1,613,382 alleles (0.00012%); highest among the groups gnomAD compares: South Asian, 0.0022%; no homozygotes.

Submission:

MVZ Medizinische Genetik Mainz
Classification: Pathogenic for Short stature, rhizomelic, with microcephaly, micrognathia, and developmental delay. Last evaluated: 2023-02-14. Review status: criteria provided, single submitter. Criteria: UK Practice Guidelines For Variant Classification V4 01 2020. Collection method: clinical testing. Allele origin: germline. Inheritance: Autosomal dominant inheritance. Affected: yes. Observed: 1 variant allele.
Comment: ACMG Criteria: PVS1, PM2_SUP, PM6_SUP (ACMG Version 4)

NM_001655.5(ARCN1):c.1207G>T (p.Glu403Ter)

Gene: ARCN1 (archain 1; plus strand). Cytogenetic location: 11q23.3.
Variant type: single nucleotide variant.
Coding change: c.1207G>T on transcript NM_001655.5 (MANE Select); coding-DNA position 1207, G replaced by T.
Protein change: p.Glu403Ter; replaces glutamic acid 403 with a stop codon.
Molecular consequence: nonsense.
Genome position (GRCh38, 1-based): chr11:118,593,664, G>T. VCF-style: chr11-118593664-G-T. GRCh37 (hg19) VCF-style: chr11-118464379-G-T.
Other names: c.943G>T, p.Glu315Ter (NM_001142281.2, NM_001425081.1); c.1207G>T, p.Glu403Ter (NM_001425073.1, NM_001425078.1); c.1204G>T, p.Glu402Ter (NM_001425074.1, NM_001425079.1); c.1150G>T, p.Glu384Ter (NM_001425075.1); c.1138G>T, p.Glu380Ter (NM_001425076.1); c.1042G>T, p.Glu348Ter (NM_001425077.1); c.763G>T, p.Glu255Ter (NM_001425080.1); short protein forms E255*, E315*, E348*, E380*, E384*, E402*, E403*.
Identifiers: ClinVar variation 3234102 (VCV003234102.1), dbSNP rs2497717723, ClinGen allele CA382814413.